The following is an entry in ClinVar:

NM_001029896.2(WDR45):c.500_501delinsAT (p.Gly167Asp)

Gene: WDR45 (WD repeat domain 45; minus strand). Cytogenetic location: Xp11.23.
Variant type: Indel.
Coding change: c.500_501delinsAT on transcript NM_001029896.2 (MANE Select); coding-DNA positions 500 to 501, GG replaced by AT.
Protein change: p.Gly167Asp; replaces glycine 167 with aspartic acid.
Molecular consequence: missense variant.
Genome position (GRCh38, 1-based): chrX:49,075,881-49,075,882, CC replaced by AT on the plus strand (GG replaced by AT on the coding strand, the reverse complement: WDR45 is on the minus strand). VCF-style: chrX-49075881-CC-AT. GRCh37 (hg19) VCF-style: chrX-48933540-CC-AT.
Other names: c.503_504delinsAT, p.Gly168Asp (NM_007075.4); short protein forms G168D, G167D.
Identifiers: ClinVar variation 2221326 (VCV002221326.2), dbSNP rs2520262134, ClinGen allele CA2580101086.

ClinVar aggregate classification (germline): Uncertain significance (1 of 4 stars; one submission).

Conditions:
Inborn genetic diseases. Identifiers: MedGen C0950123, MeSH D030342.

Submission:

Ambry Genetics
Classification: Uncertain significance for Inborn genetic diseases. Last evaluated: 2020-11-10. Review status: criteria provided, single submitter. Criteria: Ambry Variant Classification Scheme 2023. Collection method: clinical testing. Allele origin: germline.
Comment: The c.503_504delGGinsAT (p.G168D) alteration, located in exon 8 (coding exon 6) of the WDR45 gene, results from an in-frame deletion of GG and insertion of AT at nucleotide positions 503 to 504. This results in the substitution of the glycine residue for residue for an aspartic acid (D) residue at codon 168. Based on data from the Genome Aggregation Database (gnomAD), the WDR45 c.503_504delGGinsAT alteration was not observed, with coverage at this position. The p.G168 amino acid is conserved in available vertebrate species. Based on insufficient or conflicting evidence, the clinical significance of this alteration remains unclear.